The following is an entry in ClinVar:

NM_001276270.2(MBD4):c.27G>C (p.Leu9=)

Genes: MBD4 (methyl-CpG binding domain 4, DNA glycosylase; minus strand), LOC129937550 (ATAC-STARR-seq lymphoblastoid active region 20512; plus strand). Cytogenetic location: 3q21.3.
Variant type: single nucleotide variant.
Coding change: c.27G>C on transcript NM_001276270.2 (MANE Select); coding-DNA position 27, G replaced by C.
Protein change: p.Leu9=; no amino-acid change (leucine 9 retained).
Molecular consequence: synonymous variant.
Genome position (GRCh38, 1-based): chr3:129,439,807, C>G on the plus strand (G>C on the coding strand, the complement: MBD4 is on the minus strand). VCF-style: chr3-129439807-C-G. GRCh37 (hg19) VCF-style: chr3-129158650-C-G.
Other names: c.27G>C, p.Leu9= (NM_001276271.2, NM_001276272.2, NM_001276273.2 and 1 more transcripts).
Identifiers: ClinVar variation 4875901 (VCV004875901.1).

ClinVar aggregate classification (germline): Benign (1 of 4 stars; one submission).

Conditions:
Tumor predisposition syndrome 2 (TPDS2). Also called: MBD4-ASSOCIATED NEOPLASIA SYNDROME; MBD4-Related Tumor Predisposition Syndrome; MBD4-associated neoplasia syndrome (MANS). Identifiers: Orphanet 661526, MedGen C5774186, MONDO:0859267, OMIM 619975.

Submission:

Myriad Genetics, Inc.
Classification: Benign for Tumor predisposition syndrome 2. Last evaluated: 2026-06-09. Review status: criteria provided, single submitter. Criteria: Myriad Autosomal Dominant, Autosomal Recessive and X-Linked Classification Criteria (2023). Collection method: clinical testing. Allele origin: unknown.
Comment: This variant is considered benign. This variant is a silent/synonymous amino acid change and it is not expected to impact splicing.